The following is an entry in ClinVar:

NM_000312.4(PROC):c.715G>A (p.Gly239Arg)

Gene: PROC (protein C, inactivator of coagulation factors Va and VIIIa; plus strand). Cytogenetic location: 2q14.3.
Variant type: single nucleotide variant.
Coding change: c.715G>A on transcript NM_000312.4 (MANE Select); coding-DNA position 715, G replaced by A.
Protein change: p.Gly239Arg; replaces glycine 239 with arginine.
Molecular consequence: missense variant.
Genome position (GRCh38, 1-based): chr2:127,427,141, G>A. VCF-style: chr2-127427141-G-A. GRCh37 (hg19) VCF-style: chr2-128184717-G-A.
Other names: c.898G>A, p.Gly300Arg (NM_001375602.1); c.880G>A, p.Gly294Arg (NM_001375603.1); c.778G>A, p.Gly260Arg (NM_001375604.1); c.817G>A, p.Gly273Arg (NM_001375605.1); c.883G>A, p.Gly295Arg (NM_001375606.1); c.901G>A, p.Gly301Arg (NM_001375607.1); c.658G>A, p.Gly220Arg (NM_001375608.1); c.691G>A, p.Gly231Arg (NM_001375609.1); and 2 more; short protein forms G239R, G220R, G231R, G237R, G260R, G273R, G294R, G295R.
Identifiers: ClinVar variation 627365 (VCV000627365.5), dbSNP rs777486993, ClinGen allele CA1859430.

ClinVar aggregate classification (germline): Likely pathogenic. Review status: criteria provided, multiple submitters, no conflicts (2 of 4 stars). 3 submissions from 3 submitters: Likely pathogenic (3). Last evaluated 2025-03-13.

Conditions:
Thrombophilia due to protein C deficiency, autosomal dominant. Also called: PROC DEFICIENCY, AUTOSOMAL DOMINANT; PROTEIN C DEFICIENCY, AUTOSOMAL DOMINANT. Identifiers: Orphanet 745, MedGen C2674321, MONDO:0008316, OMIM 176860. Disease mechanism: loss of function.
Thrombophilia due to protein C deficiency, autosomal recessive. Also called: PROC DEFICIENCY, AUTOSOMAL RECESSIVE; PROTEIN C DEFICIENCY, AUTOSOMAL RECESSIVE. Identifiers: Orphanet 745, MedGen C2676759, MONDO:0012860, OMIM 612304.
Deep venous thrombosis. Also called: Deep vein thrombosis. Identifiers: MedGen C0149871, MeSH D020246, HP:0002625.

Allele frequency attached by ClinVar (database versions not stated): gnomAD exomes below 0.00001 and 0.00001; ExAC 0.00001; TOPMed 0.00002.
gnomAD v4.1: 4 of 1,613,844 alleles (0.00025%); highest among the groups gnomAD compares: African/African-American, 0.0013%; no homozygotes.

Submissions (3):

Labcorp Genetics (formerly Invitae), Labcorp
Classification: Likely pathogenic for Thrombophilia due to protein C deficiency, autosomal dominant. Last evaluated: 2025-03-13. Review status: criteria provided, single submitter. Criteria: Invitae Variant Classification Sherloc (09022015). Collection method: clinical testing. Allele origin: germline.
Comment: This sequence change replaces glycine, which is neutral and non-polar, with arginine, which is basic and polar, at codon 239 of the PROC protein (p.Gly239Arg). This variant is present in population databases (rs777486993, gnomAD 0.007%). This missense change has been observed in individuals with autosomal dominant protein C deficiency (PMID: 8972002, 24162787, 31064749, 31254973, 32078247, 32717757, 35626216). This variant is also known as p.Gly197Arg. ClinVar contains an entry for this variant (Variation ID: 627365). Invitae Evidence Modeling of protein sequence and biophysical properties (such as structural, functional, and spatial information, amino acid conservation, physicochemical variation, residue mobility, and thermodynamic stability) indicates that this missense variant is expected to disrupt PROC protein function with a positive predictive value of 80%. Experimental studies have shown that this missense change affects PROC function (PMID: 32078247). In summary, the currently available evidence indicates that the variant is pathogenic, but additional data are needed to prove that conclusively. Therefore, this variant has been classified as Likely Pathogenic.

NIHR Bioresource Rare Diseases, University of Cambridge
Classification: Likely pathogenic for Deep venous thrombosis. Last evaluated: 2019-02-01. Review status: criteria provided, single submitter. Criteria: ACMG Guidelines, 2015. Collection method: research. Allele origin: unknown. Affected: yes. Observed: 1 heterozygote. Study: ThromboGenomics.

Juno Genomics, Hangzhou Juno Genomics, Inc
Classification: Likely pathogenic for Thrombophilia due to protein C deficiency, autosomal dominant; Thrombophilia due to protein C deficiency, autosomal recessive. Review status: criteria provided, single submitter. Criteria: ACMG Guidelines, 2015. Collection method: clinical testing. Allele origin: germline.
Comment: Absent from controls (or at extremely low frequency if recessive) in Genome Aggregation Database.;The prevalence of the variant in affected individuals is significantly increased compared to the prevalence in controls.;Well-established in vitro or in vivo functional studies supportive of a damaging effect on the gene or gene product.

Literature cited by the submitters: PubMed 8972002 (cited by Labcorp Genetics (formerly Invitae), Labcorp); PubMed 24162787 (cited by Labcorp Genetics (formerly Invitae), Labcorp); PubMed 31064749 (cited by Labcorp Genetics (formerly Invitae), Labcorp and NIHR Bioresource Rare Diseases, University of Cambridge); PubMed 31254973 (cited by Labcorp Genetics (formerly Invitae), Labcorp); PubMed 32078247 (cited by Labcorp Genetics (formerly Invitae), Labcorp); PubMed 32717757 (cited by Labcorp Genetics (formerly Invitae), Labcorp); PubMed 35626216 (cited by Labcorp Genetics (formerly Invitae), Labcorp).